The following is an entry in ClinVar:

ClinVar aggregate classification (germline): Uncertain significance. Review status: criteria provided, multiple submitters, no conflicts (2 of 4 stars). 2 submissions from 2 submitters: Uncertain significance (2). Last evaluated 2025-12-21.

Conditions:
Dilated cardiomyopathy 1G (CMD1G). Identifiers: Orphanet 154, MedGen C1858763, MONDO:0011400, OMIM 604145.
Autosomal recessive limb-girdle muscular dystrophy type 2J (LGMDR10). Also called: Limb-girdle muscular dystrophy, type 2J; MUSCULAR DYSTROPHY, LIMB-GIRDLE, AUTOSOMAL RECESSIVE 10. Identifiers: Orphanet 140922, MedGen C1837342, MONDO:0012127, OMIM 608807.

Allele frequency attached by ClinVar (database versions not stated): gnomAD 0.00001; gnomAD exomes 0.00002.
gnomAD v4.1: 26 of 1,613,162 alleles (0.0016%); highest among the groups gnomAD compares: Non-Finnish European, 0.002%; no homozygotes.

Submissions (2):

Labcorp Genetics (formerly Invitae), Labcorp
Classification: Uncertain significance for Dilated cardiomyopathy 1G; Autosomal recessive limb-girdle muscular dystrophy type 2J. Last evaluated: 2025-12-21. Review status: criteria provided, single submitter. Criteria: Invitae Variant Classification Sherloc (09022015). Collection method: clinical testing. Allele origin: germline.
Comment: This sequence change replaces cysteine, which is neutral and slightly polar, with phenylalanine, which is neutral and non-polar, at codon 34374 of the TTN protein (p.Cys34374Phe). This variant is present in population databases (no rsID available, gnomAD 0.007%). This variant has not been reported in the literature in individuals affected with TTN-related conditions. ClinVar contains an entry for this variant (Variation ID: 404803). Experimental studies and prediction algorithms are not available or were not evaluated, and the functional significance of this variant is currently unknown. This variant is located in the M band of TTN (PMID: 25589632). Non-truncating variants in this region may be relevant for neuromuscular disorders, but have not been definitively shown to cause cardiomyopathy (PMID: 23975875). In summary, the available evidence is currently insufficient to determine the role of this variant in disease. Therefore, it has been classified as a Variant of Uncertain Significance.

Revvity Omics, Revvity
Classification: Uncertain significance. Last evaluated: 2023-03-31. Review status: criteria provided, single submitter. Criteria: ACMG Guidelines, 2015. Collection method: clinical testing. Allele origin: germline.

Literature cited by the submitters: PubMed 25589632 (cited by Labcorp Genetics (formerly Invitae), Labcorp); PubMed 23975875 (cited by Labcorp Genetics (formerly Invitae), Labcorp).

NM_001267550.2(TTN):c.103121G>T (p.Cys34374Phe)

Genes: TTN (titin; minus strand), TTN-AS1 (TTN antisense RNA 1; plus strand). Cytogenetic location: 2q31.2.
Variant type: single nucleotide variant.
Coding change: c.103121G>T on transcript NM_001267550.2 (MANE Select); coding-DNA position 103121, G replaced by T.
Protein change: p.Cys34374Phe; replaces cysteine 34374 with phenylalanine.
Molecular consequence: missense variant.
Genome position (GRCh38, 1-based): chr2:178,533,494, C>A on the plus strand (G>T on the coding strand, the complement: TTN is on the minus strand). VCF-style: chr2-178533494-C-A. GRCh37 (hg19) VCF-style: chr2-179398221-C-A.
Other names: c.98198G>T, p.Cys32733Phe (NM_001256850.1); c.75926G>T, p.Cys25309Phe (NM_003319.4); c.95417G>T, p.Cys31806Phe (NM_133378.4); c.76301G>T, p.Cys25434Phe (NM_133432.3); c.76502G>T, p.Cys25501Phe (NM_133437.4); short protein forms C34374F, C32733F, C31806F, C25309F, C25434F, C25501F.
Identifiers: ClinVar variation 404803 (VCV000404803.9), dbSNP rs368493317, ClinGen allele CA16610285.